The following is an entry in ClinVar:

ClinVar aggregate classification (germline): Likely benign. Review status: criteria provided, multiple submitters, no conflicts (2 of 4 stars). 2 submissions from 2 submitters: Likely benign (2). Last evaluated 2025-08-03.

Conditions:
Familial thoracic aortic aneurysm and aortic dissection (TAAD). Also called: Thoracic aortic aneurysms and dissections. Identifiers: Orphanet 91387, MedGen C4707243, MONDO:0019625.

gnomAD v4.1: 2 of 1,613,568 alleles (0.00012%); highest among the groups gnomAD compares: Middle Eastern, 0.016%; no homozygotes.

Submissions (2):

Ambry Genetics
Classification: Likely benign for Familial thoracic aortic aneurysm and aortic dissection. Last evaluated: 2025-08-03. Review status: criteria provided, single submitter. Criteria: Ambry Variant Classification Scheme 2023. Collection method: clinical testing. Allele origin: germline.

GeneDx
Classification: Likely benign. Last evaluated: 2017-03-21. Review status: criteria provided, single submitter. Criteria: GeneDx Variant Classification (06012015). Collection method: clinical testing. Allele origin: germline. Affected: yes.
Comment: This variant is considered likely benign or benign based on one or more of the following criteria: it is a conservative change, it occurs at a poorly conserved position in the protein, it is predicted to be benign by multiple in silico algorithms, and/or has population frequency not consistent with disease.

NM_017617.5(NOTCH1):c.6111C>G (p.Ala2037=)

Genes: NOTCH1 (notch receptor 1; minus strand), LOC126860794 (BRD4-independent group 4 enhancer GRCh37_chr9:139392592-139393791; plus strand). Cytogenetic location: 9q34.3.
Variant type: single nucleotide variant.
Coding change: c.6111C>G on transcript NM_017617.5 (MANE Select); coding-DNA position 6111, C replaced by G.
Protein change: p.Ala2037=; no amino-acid change (alanine 2037 retained).
Molecular consequence: synonymous variant.
Genome position (GRCh38, 1-based): chr9:136,498,968, G>C on the plus strand (C>G on the coding strand, the complement: NOTCH1 is on the minus strand). VCF-style: chr9-136498968-G-C. GRCh37 (hg19) VCF-style: chr9-139393420-G-C.
Other names: c.6111C>G, p.Ala2037= (LRG_1122t1).
Identifiers: ClinVar variation 508330 (VCV000508330.2), dbSNP rs749488166, ClinGen allele CA467738227.